The following is an entry in ClinVar:

ClinVar aggregate classification (germline): Uncertain significance (1 of 4 stars; one submission).

Allele frequency attached by ClinVar (database versions not stated): TOPMed below 0.00001; ExAC 0.00001; gnomAD 0.00001.
gnomAD v4.1: 27 of 1,545,674 alleles (0.0017%); highest among the groups gnomAD compares: Non-Finnish European, 0.0022%; no homozygotes.

Submission:

Labcorp Genetics (formerly Invitae), Labcorp
Classification: Uncertain significance. Last evaluated: 2022-08-19. Review status: criteria provided, single submitter. Criteria: Invitae Variant Classification Sherloc (09022015). Collection method: clinical testing. Allele origin: germline.
Comment: This sequence change replaces isoleucine, which is neutral and non-polar, with phenylalanine, which is neutral and non-polar, at codon 352 of the POC1B protein (p.Ile352Phe). This variant is present in population databases (rs776312438, gnomAD 0.001%). This variant has not been reported in the literature in individuals affected with POC1B-related conditions. Algorithms developed to predict the effect of missense changes on protein structure and function (SIFT, PolyPhen-2, Align-GVGD) all suggest that this variant is likely to be tolerated. In summary, the available evidence is currently insufficient to determine the role of this variant in disease. Therefore, it has been classified as a Variant of Uncertain Significance.

NM_172240.3(POC1B):c.1054A>T (p.Ile352Phe)

Genes: POC1B (POC1 centriolar protein B; minus strand), POC1B-DUSP6 (POC1B-DUSP6 readthrough; minus strand). Cytogenetic location: 12q21.33.
Variant type: single nucleotide variant.
Coding change: c.1054A>T on transcript NM_172240.3 (MANE Select); coding-DNA position 1054, A replaced by T.
Protein change: p.Ile352Phe; replaces isoleucine 352 with phenylalanine.
Molecular consequence: missense variant. On other transcripts: non-coding transcript variant (2).
Genome position (GRCh38, 1-based): chr12:89,459,697, T>A on the plus strand (A>T on the coding strand, the complement: POC1B is on the minus strand). VCF-style: chr12-89459697-T-A. GRCh37 (hg19) VCF-style: chr12-89853474-T-A.
Other names: c.928A>T, p.Ile310Phe (NM_001199777.2); short protein forms I352F, I310F.
Identifiers: ClinVar variation 2151521 (VCV002151521.1), dbSNP rs776312438, ClinGen allele CA6714299.